The following is an entry in ClinVar:

NM_130468.4(CHST14):c.11G>C (p.Arg4Pro)

Genes: CHST14 (carbohydrate sulfotransferase 14; plus strand), LOC130056851 (ATAC-STARR-seq lymphoblastoid silent region 6336; plus strand). Cytogenetic location: 15q15.1.
Variant type: single nucleotide variant.
Coding change: c.11G>C on transcript NM_130468.4 (MANE Select); coding-DNA position 11, G replaced by C.
Protein change: p.Arg4Pro; replaces arginine 4 with proline.
Molecular consequence: missense variant.
Genome position (GRCh38, 1-based): chr15:40,471,224, G>C. VCF-style: chr15-40471224-G-C. GRCh37 (hg19) VCF-style: chr15-40763423-G-C.
Other names: c.11G>C (NM_130468.3); short protein forms R4P.
Identifiers: ClinVar variation 1004396 (VCV001004396.6), dbSNP rs1352733612, ClinGen allele CA391761767.

ClinVar aggregate classification (germline): Uncertain significance. Review status: criteria provided, multiple submitters, no conflicts (2 of 4 stars). 2 submissions from 2 submitters: Uncertain significance (2). Last evaluated 2025-05-02.

Conditions:
Cardiovascular phenotype. Identifiers: MedGen CN230736.
Ehlers-Danlos syndrome, musculocontractural type (EDSMC). Also called: Adducted thumb, clubfoot, progressive joint and skin laxity syndrome; DUNDAR SYNDROME; ARTHROGRYPOSIS, DISTAL, WITH PECULIAR FACIES AND HYDRONEPHROSIS; ADDUCTED THUMB-CLUBFOOT SYNDROME. Identifiers: Orphanet 2953, MedGen C1866294, MONDO:0011142.

Allele frequency attached by ClinVar (database versions not stated): gnomAD 0.00003 and 0.00004; gnomAD exomes 0.00004; TOPMed 0.00004.

Submissions (2):

Ambry Genetics
Classification: Uncertain significance for Cardiovascular phenotype. Last evaluated: 2025-05-02. Review status: criteria provided, single submitter. Criteria: Ambry Variant Classification Scheme 2023. Collection method: clinical testing. Allele origin: germline.
Comment: The p.R4P variant (also known as c.11G>C), located in coding exon 1 of the CHST14 gene, results from a G to C substitution at nucleotide position 11. The arginine at codon 4 is replaced by proline, an amino acid with dissimilar properties. This amino acid position is well conserved in available vertebrate species. In addition, the in silico prediction for this alteration is inconclusive. Based on the available evidence, the clinical significance of this variant remains unclear.

Labcorp Genetics (formerly Invitae), Labcorp
Classification: Uncertain significance for Ehlers-Danlos syndrome, musculocontractural type. Last evaluated: 2022-05-10. Review status: criteria provided, single submitter. Criteria: Invitae Variant Classification Sherloc (09022015). Collection method: clinical testing. Allele origin: germline.
Comment: This sequence change replaces arginine, which is basic and polar, with proline, which is neutral and non-polar, at codon 4 of the CHST14 protein (p.Arg4Pro). The frequency data for this variant in the population databases is considered unreliable, as metrics indicate poor data quality at this position in the gnomAD database. This variant has not been reported in the literature in individuals affected with CHST14-related conditions. ClinVar contains an entry for this variant (Variation ID: 1004396). Algorithms developed to predict the effect of missense changes on protein structure and function are either unavailable or do not agree on the potential impact of this missense change (SIFT: "Deleterious"; PolyPhen-2: "Probably Damaging"; Align-GVGD: "Class C0"). In summary, the available evidence is currently insufficient to determine the role of this variant in disease. Therefore, it has been classified as a Variant of Uncertain Significance.